The following is an entry in ClinVar:

ClinVar aggregate classification (germline): Uncertain significance (1 of 4 stars; one submission).

Conditions:
Arterial tortuosity syndrome (ATORS). Identifiers: Orphanet 3342, MedGen C1859726, MONDO:0008818, OMIM 208050.

Allele frequency attached by ClinVar (database versions not stated): gnomAD exomes below 0.00001; gnomAD 0.00001; TOPMed 0.00001.
gnomAD v4.1: 7 of 1,613,984 alleles (0.00043%); highest among the groups gnomAD compares: Non-Finnish European, 0.00051%; no homozygotes.

Submission:

Labcorp Genetics (formerly Invitae), Labcorp
Classification: Uncertain significance for Arterial tortuosity syndrome. Last evaluated: 2016-09-26. Review status: criteria provided, single submitter. Criteria: Invitae Variant Classification Sherloc (09022015). Collection method: clinical testing. Allele origin: germline.
Comment: In summary, this variant is a novel missense change with uncertain impact on protein function. It has been classified as a Variant of Uncertain Significance. Algorithms developed to predict the effect of missense changes on protein structure and function (SIFT, PolyPhen-2, Align-GVGD) all suggest that this variant is likely to be disruptive, but these predictions have not been confirmed by published functional studies. This variant is not present in population databases (ExAC no frequency) and has not been reported in the literature in individuals with a SLC2A10-related disease. This sequence change replaces glycine with aspartic acid at codon 104 of the SLC2A10 protein (p.Gly104Asp). The glycine residue is highly conserved and there is a moderate physicochemical difference between glycine and aspartic acid.

NM_030777.4(SLC2A10):c.311G>A (p.Gly104Asp)

Gene: SLC2A10 (solute carrier family 2 member 10; plus strand). Cytogenetic location: 20q13.12.
Variant type: single nucleotide variant.
Coding change: c.311G>A on transcript NM_030777.4 (MANE Select); coding-DNA position 311, G replaced by A.
Protein change: p.Gly104Asp; replaces glycine 104 with aspartic acid.
Molecular consequence: missense variant.
Genome position (GRCh38, 1-based): chr20:46,725,347, G>A. VCF-style: chr20-46725347-G-A. GRCh37 (hg19) VCF-style: chr20-45353986-G-A.
Other names: short protein forms G104D.
Identifiers: ClinVar variation 409248 (VCV000409248.9), dbSNP rs1060502311, ClinGen allele CA16616473.